The following is an entry in ClinVar:

ClinVar aggregate classification (germline): Uncertain significance (1 of 4 stars; one submission).

Conditions:
TNS2-related disorder. Also called: TNS2-related condition.

gnomAD v4.1: 3 of 1,610,534 alleles (0.00019%); highest among the groups gnomAD compares: Admixed American, 0.005%; no homozygotes.

Submission:

PreventionGenetics, part of Exact Sciences
Classification: Uncertain significance for TNS2-related condition. Last evaluated: 2023-03-09. Review status: criteria provided, single submitter. Criteria: ACMG Guidelines, 2015. Collection method: clinical testing. Allele origin: germline.
Comment: The TNS2 c.2509C>G variant is predicted to result in the amino acid substitution p.Arg837Gly. To our knowledge, this variant has not been reported in the literature. This variant is reported in 0.0058% of alleles in individuals of Latino descent in gnomAD. At this time, the clinical significance of this variant is uncertain due to the absence of conclusive functional and genetic evidence.

NM_170754.4(TNS2):c.2479C>G (p.Arg827Gly)

Gene: TNS2 (tensin 2; plus strand). Cytogenetic location: 12q13.13.
Variant type: single nucleotide variant.
Coding change: c.2479C>G on transcript NM_170754.4 (MANE Select); coding-DNA position 2479, C replaced by G.
Protein change: p.Arg827Gly; replaces arginine 827 with glycine.
Molecular consequence: missense variant.
Genome position (GRCh38, 1-based): chr12:53,060,120, C>G. VCF-style: chr12-53060120-C-G. GRCh37 (hg19) VCF-style: chr12-53453904-C-G.
Other names: c.2479C>G, p.Arg827Gly (NM_001416202.1); c.2437C>G, p.Arg813Gly (NM_001416203.1); c.2506C>G, p.Arg836Gly (NM_001416204.1); c.2410C>G, p.Arg804Gly (NM_015319.3); c.2107C>G, p.Arg703Gly (NM_198316.2); short protein forms R703G, R804G, R813G, R827G, R836G.
Identifiers: ClinVar variation 2636436 (VCV002636436.1), dbSNP rs370495406, ClinGen allele CA385013755.
Genomic context (GRCh38, chr12:53,060,120, plus strand): 5'-CATAGCTGTGGCTCTCCAGGAGAGGGCAGAGGGTATCCCAGCCCTGGTGCCCACTCCCCA[C>G]GGGCTGGCTCCATTTCCCCGGGCAGCCCGCCCTATCCACAATCTAGGAAGCTGAGCTACG-3'
Protein context (NP_736610.2, residues 817-837): GYPSPGAHSP[Arg827Gly]AGSISPGSPP